The following is an entry in ClinVar:

ClinVar aggregate classification (germline): Uncertain significance (1 of 4 stars; one submission).

Conditions:
Neuronopathy, distal hereditary motor, autosomal recessive 5. Also called: Spinal muscular atrophy, distal, autosomal recessive, 5; Young adult-onset distal hereditary motor neuropathy; NEUROPATHY, DISTAL HEREDITARY MOTOR, AUTOSOMAL RECESSIVE 5. Identifiers: Orphanet 314485, Orphanet 443950, MedGen C4749918, MONDO:0013947, OMIM 614881.

Submission:

Labcorp Genetics (formerly Invitae), Labcorp
Classification: Uncertain significance for Neuronopathy, distal hereditary motor, autosomal recessive 5. Last evaluated: 2019-10-17. Review status: criteria provided, single submitter. Criteria: Invitae Variant Classification Sherloc (09022015). Collection method: clinical testing. Allele origin: germline.
Comment: Algorithms developed to predict the effect of missense changes on protein structure and function (SIFT, PolyPhen-2, Align-GVGD) all suggest that this variant is likely to be tolerated, but these predictions have not been confirmed by published functional studies and their clinical significance is uncertain. In summary, the available evidence is currently insufficient to determine the role of this variant in disease. Therefore, it has been classified as a Variant of Uncertain Significance. This variant has not been reported in the literature in individuals with DNAJB2-related conditions. This variant is not present in population databases (ExAC no frequency). This sequence change replaces proline with arginine at codon 159 of the DNAJB2 protein (p.Pro159Arg). The proline residue is moderately conserved and there is a moderate physicochemical difference between proline and arginine.

NM_006736.6(DNAJB2):c.476C>G (p.Pro159Arg)

Gene: DNAJB2 (DnaJ heat shock protein family (Hsp40) member B2; plus strand). Cytogenetic location: 2q35.
Variant type: single nucleotide variant.
Coding change: c.476C>G on transcript NM_006736.6 (MANE Select); coding-DNA position 476, C replaced by G.
Protein change: p.Pro159Arg; replaces proline 159 with arginine.
Molecular consequence: missense variant.
Genome position (GRCh38, 1-based): chr2:219,283,163, C>G. VCF-style: chr2-219283163-C-G. GRCh37 (hg19) VCF-style: chr2-220147885-C-G.
Other names: c.476C>G, p.Pro159Arg (NM_001039550.2); short protein forms P159R.
Identifiers: ClinVar variation 964628 (VCV000964628.10), dbSNP rs1951922090, ClinGen allele CA350650228.